The following is an entry in ClinVar:

NM_000512.5(GALNS):c.1228G>T (p.Glu410Ter)

Gene: GALNS (galactosamine (N-acetyl)-6-sulfatase; minus strand). Cytogenetic location: 16q24.3.
Variant type: single nucleotide variant.
Coding change: c.1228G>T on transcript NM_000512.5 (MANE Select); coding-DNA position 1228, G replaced by T.
Protein change: p.Glu410Ter; replaces glutamic acid 410 with a stop codon.
Molecular consequence: nonsense.
Genome position (GRCh38, 1-based): chr16:88,824,781, C>A on the plus strand (G>T on the coding strand, the complement: GALNS is on the minus strand). VCF-style: chr16-88824781-C-A. GRCh37 (hg19) VCF-style: chr16-88891189-C-A.
Other names: c.673G>T, p.Glu225Ter (NM_001323543.2); c.1246G>T, p.Glu416Ter (NM_001323544.2); short protein forms E410*, E416*, E225*.
Identifiers: ClinVar variation 620097 (VCV000620097.4), dbSNP rs1567519109, ClinGen allele CA397097449.

ClinVar aggregate classification (germline): Pathogenic. Review status: criteria provided, single submitter (1 of 4 stars). 2 submissions from 2 submitters: Pathogenic (1). 1 of the submissions does not count toward it. Last evaluated 2023-10-18.

Conditions:
GALNS-related disorder. Also called: GALNS-related condition.

gnomAD v4.1: 2 of 1,613,372 alleles (0.00012%); highest among the groups gnomAD compares: Middle Eastern, 0.033%; no homozygotes.

Submissions (2):

GeneDx
Classification: Pathogenic. Last evaluated: 2023-10-18. Review status: criteria provided, single submitter. Criteria: GeneDx Variant Classification Process June 2021. Collection method: clinical testing. Allele origin: germline. Affected: yes.
Comment: Has not been previously published as pathogenic or benign to our knowledge; Not observed at significant frequency in large population cohorts (gnomAD); Nonsense variant predicted to result in protein truncation or nonsense mediated decay in a gene for which loss of function is a known mechanism of disease

PreventionGenetics, part of Exact Sciences
Classification: Likely pathogenic for GALNS-related condition. Last evaluated: 2024-01-03. Review status: no assertion criteria provided. Collection method: clinical testing. Allele origin: germline. Not counted in ClinVar's aggregate classification.
Comment: The GALNS c.1228G>T variant is predicted to result in premature protein termination (p.Glu410*). To our knowledge, this variant has not been reported in the literature or in a large population database, indicating this variant is rare. Nonsense variants in GALNS are expected to be pathogenic. This variant is interpreted as likely pathogenic.